The following is an entry in ClinVar:

NM_001987.5(ETV6):c.116G>A (p.Arg39Gln)

Gene: ETV6 (ETS variant transcription factor 6; plus strand). Cytogenetic location: 12p13.2.
Variant type: single nucleotide variant.
Coding change: c.116G>A on transcript NM_001987.5 (MANE Select); coding-DNA position 116, G replaced by A.
Protein change: p.Arg39Gln; replaces arginine 39 with glutamine.
Molecular consequence: missense variant.
Genome position (GRCh38, 1-based): chr12:11,752,532, G>A. VCF-style: chr12-11752532-G-A. GRCh37 (hg19) VCF-style: chr12-11905466-G-A.
Other names: short protein forms R39Q.
Identifiers: ClinVar variation 1698990 (VCV001698990.12), dbSNP rs144209028, ClinGen allele CA6454118.

ClinVar aggregate classification (germline): Conflicting classifications of pathogenicity. Review status: criteria provided, conflicting classifications (1 of 4 stars). 5 submissions from 5 submitters: Uncertain significance (3); Likely benign (1). 1 of the submissions does not count toward it. Last evaluated 2026-01-21.

Conditions:
Thrombocytopenia 5 (THC5). Also called: THROMBOCYTOPENIA 5 WITH INCREASED SUSCEPTIBILITY TO MALIGNANCY; THROMBOCYTOPENIA, AUTOSOMAL DOMINANT, 5. Identifiers: MedGen C4015537, MONDO:0014536, OMIM 616216.
Inborn genetic diseases. Identifiers: MedGen C0950123, MeSH D030342.

Allele frequency attached by ClinVar (database versions not stated): ExAC 0.00002; gnomAD 0.00002; gnomAD exomes 0.00003 and 0.00004; TOPMed 0.00005; ESP Exome Variant Server 0.00015.
gnomAD v4.1: 41 of 1,613,678 alleles (0.0025%); highest among the groups gnomAD compares: Admixed American, 0.0067%; no homozygotes.

Submissions (5):

Labcorp Genetics (formerly Invitae), Labcorp
Classification: Uncertain significance. Last evaluated: 2026-01-21. Review status: criteria provided, single submitter. Criteria: Invitae Variant Classification Sherloc (09022015). Collection method: clinical testing. Allele origin: germline.
Comment: This sequence change replaces arginine, which is basic and polar, with glutamine, which is neutral and polar, at codon 39 of the ETV6 protein (p.Arg39Gln). This variant is present in population databases (rs144209028, gnomAD 0.009%). This variant has not been reported in the literature in individuals affected with ETV6-related conditions. ClinVar contains an entry for this variant (Variation ID: 1698990). Invitae Evidence Modeling of protein sequence and biophysical properties (such as structural, functional, and spatial information, amino acid conservation, physicochemical variation, residue mobility, and thermodynamic stability) indicates that this missense variant is not expected to disrupt ETV6 protein function with a negative predictive value of 80%. In summary, the available evidence is currently insufficient to determine the role of this variant in disease. Therefore, it has been classified as a Variant of Uncertain Significance.

GeneDx
Classification: Uncertain significance. Last evaluated: 2025-05-05. Review status: criteria provided, single submitter. Criteria: GeneDx Variant Classification Process June 2021. Collection method: clinical testing. Allele origin: germline. Affected: yes.
Comment: In silico analysis suggests that this missense variant does not alter protein structure/function; Has not been previously published as pathogenic or benign to our knowledge

Ambry Genetics
Classification: Likely benign for Inborn genetic diseases. Last evaluated: 2024-12-11. Review status: criteria provided, single submitter. Criteria: Ambry Variant Classification Scheme 2023. Collection method: clinical testing. Allele origin: germline.

Victorian Clinical Genetics Services, Murdoch Childrens Research Institute
Classification: Uncertain significance for Thrombocytopenia 5. Last evaluated: 2022-02-02. Review status: criteria provided, single submitter. Criteria: ACMG Guidelines, 2015. Collection method: clinical testing. Allele origin: germline. Inheritance: Autosomal dominant inheritance.
Comment: Based on the classification scheme VCGS_Germline_v1.3.4, this variant is classified as VUS-3C. Following criteria are met: 0104 - Dominant negative is a known mechanism of disease in this gene and is associated with thrombocytopenia (MIM#616216) (PMID: 25581430, 25807284). (I) 0107 - This gene is associated with autosomal dominant disease. (I) 0200 - Variant is predicted to result in a missense amino acid change from arginine to glutamine. (I) 0251 - This variant is heterozygous. (I) 0302 - Variant is present in gnomAD <0.001 for a dominant condition (v2: 10 heterozygotes, 0 homozygotes). (SP) 0503 - Missense variant consistently predicted to be tolerated by multiple in silico tools or not conserved in placental mammals with a minor amino acid change. (SB) 0604 - Variant is not located in an established domain, motif, hotspot or informative constraint region. (I) 0705 - No comparable missense variants have previous evidence for pathogenicity. (I) 0807 - This variant has no previous evidence of pathogenicity. (I) 0905 - No published segregation evidence has been identified for this variant. (I) 1007 - No published functional evidence has been identified for this variant. (I) 1208 - Inheritance information for this variant is not currently available in this individual. (I) Legend: (SP) - Supporting pathogenic, (I) - Information, (SB) - Supporting benign

Genetic Services Laboratory, University of Chicago
Classification: Uncertain significance. Last evaluated: 2022-08-01. Review status: no assertion criteria provided. Collection method: clinical testing. Allele origin: germline. Affected: no. Not counted in ClinVar's aggregate classification.
Comment: DNA sequence analysis of the ETV6 gene demonstrated a sequence change, c.116G>A, in exon 2 that results in an amino acid change, p.Arg39Gln. This sequence change does not appear to have been previously described in individuals with ETV6-related disorders. This sequence change has been described in the gnomAD database with a frequency of 0.003% (dbSNP rs144209028). The p.Arg39Gln change affects a highly conserved amino acid residue located in a domain of the ETV6 protein that is known to be functional. In-silico pathogenicity prediction tools (SIFT, PolyPhen2, Align GVGD, REVEL) provide contradictory results for the p.Arg39Gln substitution. Due to insufficient evidences and the lack of functional studies, the clinical significance of the p.Arg39Gln change remains unknown at this time.

Literature cited by the submitters: PubMed 25581430 (cited by Victorian Clinical Genetics Services, Murdoch Childrens Research Institute); PubMed 25807284 (cited by Victorian Clinical Genetics Services, Murdoch Childrens Research Institute).